The following is an entry in ClinVar:

NM_001113491.2(SEPTIN9):c.355G>A (p.Val119Met)

Gene: SEPTIN9 (septin 9; plus strand). Cytogenetic location: 17q25.3.
Variant type: single nucleotide variant.
Coding change: c.355G>A on transcript NM_001113491.2 (MANE Select); coding-DNA position 355, G replaced by A.
Protein change: p.Val119Met; replaces valine 119 with methionine.
Molecular consequence: missense variant. On other transcripts: 5 prime UTR variant (2).
Genome position (GRCh38, 1-based): chr17:77,402,337, G>A. VCF-style: chr17-77402337-G-A. GRCh37 (hg19) VCF-style: chr17-75398419-G-A.
Other names: c.-138G>A (NM_001113492.2, NM_001113494.1); c.334G>A, p.Val112Met (NM_001113493.2); c.298G>A, p.Val100Met (NM_001293695.2); c.301G>A, p.Val101Met (NM_006640.5); short protein forms V100M, V101M, V112M, V119M.
Identifiers: ClinVar variation 2445584 (VCV002445584.4), dbSNP rs2509884418, ClinGen allele CA401206000.

ClinVar aggregate classification (germline): Uncertain significance (1 of 4 stars; one submission).

Allele frequency attached by ClinVar (database versions not stated): gnomAD exomes below 0.00001.
gnomAD v4.1: 1 of 1,612,682 alleles (0.000062%); highest among the groups gnomAD compares: Non-Finnish European, 0.000085%; no homozygotes.

Submission:

Labcorp Genetics (formerly Invitae), Labcorp
Classification: Uncertain significance. Last evaluated: 2025-01-13. Review status: criteria provided, single submitter. Criteria: Invitae Variant Classification Sherloc (09022015). Collection method: clinical testing. Allele origin: germline.
Comment: This sequence change replaces valine, which is neutral and non-polar, with methionine, which is neutral and non-polar, at codon 101 of the SEPT9 protein (p.Val101Met). This variant is not present in population databases (gnomAD no frequency). This variant has not been reported in the literature in individuals affected with SEPT9-related conditions. ClinVar contains an entry for this variant (Variation ID: 2445584). Invitae Evidence Modeling of protein sequence and biophysical properties (such as structural, functional, and spatial information, amino acid conservation, physicochemical variation, residue mobility, and thermodynamic stability) indicates that this missense variant is not expected to disrupt SEPT9 protein function with a negative predictive value of 80%. In summary, the available evidence is currently insufficient to determine the role of this variant in disease. Therefore, it has been classified as a Variant of Uncertain Significance.